The following is an entry in ClinVar:

NM_017636.4(TRPM4):c.380dup (p.Val129fs)

Gene: TRPM4 (transient receptor potential cation channel subfamily M member 4; plus strand). Cytogenetic location: 19q13.33.
Variant type: Duplication.
Coding change: c.380dup on transcript NM_017636.4 (MANE Select); coding-DNA position 380, one base duplicated (G; older notation c.380dupG).
Protein change: p.Val129fs; shifts the reading frame from valine 129.
Molecular consequence: frameshift variant. On other transcripts: intron variant (4).
Genome position (GRCh38, 1-based): chr19:49,168,029, G duplicated; the last of 6 consecutive G bases (chr19:49,168,024-49,168,029); duplicating any one gives the same sequence. VCF-style (leftmost placement, unchanged base first): chr19-49168023-C-CG. GRCh37 (hg19) VCF-style: chr19-49671280-C-CG.
Other names: c.380dup, p.Val129fs (NM_001195227.2); c.-1105-231dup (NM_001321282.2); c.268-524dup (NM_001321281.2); c.-74-231dup (NM_001321283.2); c.-237-524dup (NM_001321285.2); c.380dupG (NM_017636.3); short protein forms V129fs.
Identifiers: ClinVar variation 3371669 (VCV003371669.2).

ClinVar aggregate classification (germline): Uncertain significance. Review status: criteria provided, multiple submitters, no conflicts (2 of 4 stars). 2 submissions from 2 submitters: Uncertain significance (2). Last evaluated 2024-11-25.

Conditions:
Cardiovascular phenotype. Identifiers: MedGen CN230736.

Submissions (2):

Ambry Genetics
Classification: Uncertain significance for Cardiovascular phenotype. Last evaluated: 2024-11-25. Review status: criteria provided, single submitter. Criteria: Ambry Variant Classification Scheme 2023. Collection method: clinical testing. Allele origin: germline.
Comment: The c.380dupG variant, located in coding exon 4 of the TRPM4 gene, results from a duplication of G at nucleotide position 380, causing a translational frameshift with a predicted alternate stop codon (p.V129Rfs*69). This alteration is expected to result in protein truncation or nonsense-mediated mRNA decay. However, loss of function of TRPM4 has not been established as a mechanism of disease. Based on the available evidence, the clinical significance of this alteration remains unclear.

GeneDx
Classification: Uncertain significance. Last evaluated: 2024-04-16. Review status: criteria provided, single submitter. Criteria: GeneDx Variant Classification Process June 2021. Collection method: clinical testing. Allele origin: germline. Affected: yes.
Comment: Not observed at significant frequency in large population cohorts (gnomAD); Frameshift variant predicted to result in protein truncation or nonsense mediated decay in a gene or region of a gene for which loss of function is not a well-established mechanism of disease; Has not been previously published as pathogenic or benign to our knowledge